The following is an entry in ClinVar:

NM_000092.5(COL4A4):c.2189C>T (p.Pro730Leu)

Gene: COL4A4 (collagen type IV alpha 4 chain; minus strand). Cytogenetic location: 2q36.3.
Variant type: single nucleotide variant.
Coding change: c.2189C>T on transcript NM_000092.5 (MANE Select); coding-DNA position 2189, C replaced by T.
Protein change: p.Pro730Leu; replaces proline 730 with leucine.
Molecular consequence: missense variant.
Genome position (GRCh38, 1-based): chr2:227,059,599, G>A on the plus strand (C>T on the coding strand, the complement: COL4A4 is on the minus strand). VCF-style: chr2-227059599-G-A. GRCh37 (hg19) VCF-style: chr2-227924315-G-A.
Other names: short protein forms P730L.
Identifiers: ClinVar variation 2146013 (VCV002146013.5), dbSNP rs747641722, ClinGen allele CA2144863.

ClinVar aggregate classification (germline): Uncertain significance. Review status: criteria provided, multiple submitters, no conflicts (2 of 4 stars). 4 submissions from 4 submitters: Uncertain significance (3). 1 of the submissions does not count toward it. Last evaluated 2025-02-11.

Conditions:
COL4A4-related disorder.
Autosomal recessive Alport syndrome (ATS2). Also called: Alport syndrome type 2; ALPORT SYNDROME 2, AUTOSOMAL RECESSIVE; COL4A3-Related Nephropathy; COL4A4 Alport Syndrome and Thin Basement Membrane Nephropathy. Identifiers: Orphanet 63, Orphanet 88919, MedGen C4746745, MONDO:0008762, OMIM 203780.
Hematuria, benign familial, 1 (BFH1). Also called: THIN MEMBRANE NEPHROPATHY. Identifiers: MedGen CN376803, MONDO:0007709, OMIM 141200.

Allele frequency attached by ClinVar (database versions not stated): gnomAD 0.00001; gnomAD exomes 0.00001; TOPMed 0.00003; ExAC 0.00004.
gnomAD v4.1: 24 of 1,613,784 alleles (0.0015%); highest among the groups gnomAD compares: Admixed American, 0.013%; no homozygotes.

Submissions (4):

GeneDx
Classification: Uncertain significance. Last evaluated: 2025-02-11. Review status: criteria provided, single submitter. Criteria: GeneDx Variant Classification Process June 2021. Collection method: clinical testing. Allele origin: germline. Affected: yes.
Comment: In silico analysis supports that this missense variant has a deleterious effect on protein structure/function; Occurs in the triple helical domain at the Y position in the canonical Gly-X-Y repeat; although this variant may have an effect on normal protein folding and function, missense substitution at the Y position is not a common mechanism of disease; Has not been previously published as pathogenic or benign to our knowledge

Fulgent Genetics
Classification: Uncertain significance for Hematuria, benign familial, 1; Autosomal recessive Alport syndrome. Last evaluated: 2024-03-16. Review status: criteria provided, single submitter. Criteria: ACMG Guidelines, 2015. Collection method: clinical testing. Allele origin: germline.

Labcorp Genetics (formerly Invitae), Labcorp
Classification: Uncertain significance. Last evaluated: 2021-09-01. Review status: criteria provided, single submitter. Criteria: Invitae Variant Classification Sherloc (09022015). Collection method: clinical testing. Allele origin: germline.
Comment: This sequence change replaces proline with leucine at codon 730 of the COL4A4 protein (p.Pro730Leu). The proline residue is highly conserved and there is a moderate physicochemical difference between proline and leucine. This variant is present in population databases (rs747641722, ExAC 0.03%). This variant has not been reported in the literature in individuals affected with COL4A4-related conditions. Algorithms developed to predict the effect of missense changes on protein structure and function are either unavailable or do not agree on the potential impact of this missense change (SIFT: "Deleterious"; PolyPhen-2: "Probably Damaging"; Align-GVGD: "Class C0"). In summary, the available evidence is currently insufficient to determine the role of this variant in disease. Therefore, it has been classified as a Variant of Uncertain Significance.

PreventionGenetics, part of Exact Sciences
Classification: Uncertain significance for COL4A4-related condition. Last evaluated: 2024-03-12. Review status: no assertion criteria provided. Collection method: clinical testing. Allele origin: germline. Not counted in ClinVar's aggregate classification.
Comment: The COL4A4 c.2189C>T variant is predicted to result in the amino acid substitution p.Pro730Leu. To our knowledge, this variant has not been reported in the literature. This variant is reported in 0.023% of alleles in individuals of Latino descent in gnomAD. At this time, the clinical significance of this variant is uncertain due to the absence of conclusive functional and genetic evidence.